The following is an entry in ClinVar:

NM_005219.5(DIAPH1):c.1979G>T (p.Gly660Val)

Gene: DIAPH1 (diaphanous related formin 1; minus strand). Cytogenetic location: 5q31.3.
Variant type: single nucleotide variant.
Coding change: c.1979G>T on transcript NM_005219.5 (MANE Select); coding-DNA position 1979, G replaced by T.
Protein change: p.Gly660Val; replaces glycine 660 with valine.
Molecular consequence: missense variant.
Genome position (GRCh38, 1-based): chr5:141,573,871, C>A on the plus strand (G>T on the coding strand, the complement: DIAPH1 is on the minus strand). VCF-style: chr5-141573871-C-A. GRCh37 (hg19) VCF-style: chr5-140953438-C-A.
Other names: c.1952G>T, p.Gly651Val (NM_001079812.3); c.1979G>T, p.Gly660Val (NM_001314007.2); short protein forms G651V, G660V.
Identifiers: ClinVar variation 1311530 (VCV001311530.4), dbSNP rs756837198, ClinGen allele CA3479183.

ClinVar aggregate classification (germline): Uncertain significance. Review status: criteria provided, multiple submitters, no conflicts (2 of 4 stars). 2 submissions from 2 submitters: Uncertain significance (2). Last evaluated 2024-10-18.

Conditions:
Progressive microcephaly-seizures-cortical blindness-developmental delay syndrome. Also called: Seizures, cortical blindness, and microcephaly syndrome. Identifiers: Orphanet 477814, MedGen C5567650, MONDO:0014714, OMIM 616632.
Autosomal dominant nonsyndromic hearing loss 1. Also called: DEAFNESS, AUTOSOMAL DOMINANT 1, WITH OR WITHOUT THROMBOCYTOPENIA; KONIGSMARK SYNDROME. Identifiers: Orphanet 90635, MedGen C1852282, MONDO:0007424, OMIM 124900.

Allele frequency attached by ClinVar (database versions not stated): gnomAD 0.00001; ExAC 0.00009.

Submissions (2):

Labcorp Genetics (formerly Invitae), Labcorp
Classification: Uncertain significance for Progressive microcephaly-seizures-cortical blindness-developmental delay syndrome; Autosomal dominant nonsyndromic hearing loss 1. Last evaluated: 2024-10-18. Review status: criteria provided, single submitter. Criteria: Invitae Variant Classification Sherloc (09022015). Collection method: clinical testing. Allele origin: germline.
Comment: This sequence change replaces glycine, which is neutral and non-polar, with valine, which is neutral and non-polar, at codon 660 of the DIAPH1 protein (p.Gly660Val). The frequency data for this variant in the population databases is considered unreliable, as metrics indicate poor data quality at this position in the gnomAD database. This variant has not been reported in the literature in individuals affected with DIAPH1-related conditions. ClinVar contains an entry for this variant (Variation ID: 1311530). Experimental studies and prediction algorithms are not available or were not evaluated, and the functional significance of this variant is currently unknown. In summary, the available evidence is currently insufficient to determine the role of this variant in disease. Therefore, it has been classified as a Variant of Uncertain Significance.

GeneDx
Classification: Uncertain significance. Last evaluated: 2019-12-24. Review status: criteria provided, single submitter. Criteria: GeneDx Variant Classification Process June 2021. Collection method: clinical testing. Allele origin: germline. Affected: yes.
Comment: Not observed at a significant frequency in large population cohorts (Lek et al., 2016); In silico analysis, which includes protein predictors and evolutionary conservation, supports that this variant does not alter protein structure/function; Has not been previously published as pathogenic or benign to our knowledge